The following is an entry in ClinVar:

NM_000138.5(FBN1):c.309del (p.Ser104fs)

Gene: FBN1 (fibrillin 1; minus strand). Cytogenetic location: 15q21.1.
Variant type: Deletion.
Coding change: c.309del on transcript NM_000138.5 (MANE Select); coding-DNA position 309, one base deleted (A; older notation c.309delA).
Protein change: p.Ser104fs; shifts the reading frame from serine 104.
Molecular consequence: frameshift variant.
Genome position (GRCh38, 1-based): chr15:48,610,765, T deleted on the plus strand (A on the coding strand, the reverse complement: FBN1 is on the minus strand). VCF-style (leftmost placement, unchanged base first): chr15-48610764-AT-A. GRCh37 (hg19) VCF-style: chr15-48902961-AT-A.
Other names: short protein forms S104fs.
Identifiers: ClinVar variation 1367283 (VCV001367283.6), dbSNP rs2140733940, ClinGen allele CA2573150806.
Genomic context (GRCh38, chr15:48,610,764, plus strand): 5'-TATATAATGACATGTTAGACTTACTGGATCTGGAGCCACAGGAAGGAGCTATCTGACCAG[AT>A]GGGCAAGTGCACATATTTGGCCTCGAACAAAATCCATCCCCACAGGAATGCCGGCAAATG-3'

ClinVar aggregate classification (germline): Pathogenic (1 of 4 stars; one submission).

Conditions:
Marfan syndrome (MFS). Also called: Marfan syndrome type 1; Marfan's syndrome; FBN1-Related Marfan Syndrome; MARFAN SYNDROME, TYPE I; Marfan syndrome, classic. Identifiers: Orphanet 284963, Orphanet 558, MedGen C0024796, MONDO:0007947, OMIM 154700.
Familial thoracic aortic aneurysm and aortic dissection (TAAD). Also called: Thoracic aortic aneurysms and dissections. Identifiers: Orphanet 91387, MedGen C4707243, MONDO:0019625.

Submission:

Labcorp Genetics (formerly Invitae), Labcorp
Classification: Pathogenic for Marfan syndrome; Familial thoracic aortic aneurysm and aortic dissection. Last evaluated: 2022-07-05. Review status: criteria provided, single submitter. Criteria: Invitae Variant Classification Sherloc (09022015). Collection method: clinical testing. Allele origin: germline.
Comment: For these reasons, this variant has been classified as Pathogenic. ClinVar contains an entry for this variant (Variation ID: 1367283). This variant has not been reported in the literature in individuals affected with FBN1-related conditions. This variant is not present in population databases (gnomAD no frequency). This sequence change creates a premature translational stop signal (p.Ser104Leufs*4) in the FBN1 gene. It is expected to result in an absent or disrupted protein product. Loss-of-function variants in FBN1 are known to be pathogenic (PMID: 17657824, 19293843).

Literature cited by the submitters: PubMed 17657824; PubMed 19293843.